The following is an entry in ClinVar:

ClinVar aggregate classification (germline): Uncertain significance (1 of 4 stars; one submission).

Conditions:
Familial thoracic aortic aneurysm and aortic dissection (TAAD). Also called: Thoracic aortic aneurysms and dissections. Identifiers: Orphanet 91387, MedGen C4707243, MONDO:0019625.

Submission:

Ambry Genetics
Classification: Uncertain significance for Familial thoracic aortic aneurysm and aortic dissection. Last evaluated: 2023-10-02. Review status: criteria provided, single submitter. Criteria: Ambry Variant Classification Scheme 2023. Collection method: clinical testing. Allele origin: germline.
Comment: The p.Q478H variant (also known as c.1434A>C), located in coding exon 13 of the CBS gene, results from an A to C substitution at nucleotide position 1434. The glutamine at codon 478 is replaced by histidine, an amino acid with highly similar properties. This amino acid position is conserved. In addition, the in silico prediction for this alteration is inconclusive. Since supporting evidence is limited at this time, the clinical significance of this alteration remains unclear.

NM_000071.3(CBS):c.1434A>C (p.Gln478His)

Gene: CBS (cystathionine beta-synthase; minus strand). Cytogenetic location: 21q22.3.
Variant type: single nucleotide variant.
Coding change: c.1434A>C on transcript NM_000071.3 (MANE Select); coding-DNA position 1434, A replaced by C.
Protein change: p.Gln478His; replaces glutamine 478 with histidine.
Molecular consequence: missense variant.
Genome position (GRCh38, 1-based): chr21:43,058,178, T>G on the plus strand (A>C on the coding strand, the complement: CBS is on the minus strand). VCF-style: chr21-43058178-T-G. GRCh37 (hg19) VCF-style: chr21-44478288-T-G.
Other names: c.1434A>C, p.Gln478His (NM_001178008.3, NM_001178009.3, NM_001320298.2); c.1119A>C, p.Gln373His (NM_001321072.1); short protein forms Q373H, Q478H.
Identifiers: ClinVar variation 3230224 (VCV003230224.1), dbSNP rs2517394966, ClinGen allele CA410396673.
Genomic context (GRCh38, chr21:43,058,178, plus strand): 5'-TTGAGCTGCCTGTAGGTGACTGGGTACCTGTTTGAACTGCTTGTAGATGACTTTGCCAAC[T>G]TGGTCTGACGGCTGCACCTTCCCGGCAAGCAGGGACGAGAGCATGTTCCCAAGCGTCACC-3'
Protein context (NP_000062.1, residues 468-488): LLAGKVQPSD[Gln478His]VGKVIYKQFK